The following is an entry in ClinVar:

NM_001130438.3(SPTAN1):c.2561G>C (p.Gly854Ala)

Gene: SPTAN1 (spectrin alpha, non-erythrocytic 1; plus strand). Cytogenetic location: 9q34.11.
Variant type: single nucleotide variant.
Coding change: c.2561G>C on transcript NM_001130438.3 (MANE Select); coding-DNA position 2561, G replaced by C.
Protein change: p.Gly854Ala; replaces glycine 854 with alanine.
Molecular consequence: missense variant.
Genome position (GRCh38, 1-based): chr9:128,585,748, G>C. VCF-style: chr9-128585748-G-C. GRCh37 (hg19) VCF-style: chr9-131348027-G-C.
Other names: c.2561G>C, p.Gly854Ala (NM_001195532.2, NM_001363759.2, NM_001363765.2 and 10 more transcripts); c.2597G>C, p.Gly866Ala (NM_001375312.2, NM_001375318.1, NM_001438440.1); short protein forms G854A, G866A.
Identifiers: ClinVar variation 5021065 (VCV005021065.1).

ClinVar aggregate classification (germline): Uncertain significance (1 of 4 stars; one submission).

Submission:

Dasa
Classification: Uncertain significance. Last evaluated: 2024-10-18. Review status: criteria provided, single submitter. Criteria: DASA Assertion Criteria. Collection method: clinical testing. Allele origin: germline.
Comment: NM_001130438.3(SPTAN1):c.2561G>C (p.Gly854Ala) is a missense variant that results in the substitution of glycine with alanine. This variant is absent from population databases. The currently available literature and clinical evidence are not sufficient to establish a definitive association between this variant and the reported condition. Therefore, this variant is classified as a variant of uncertain significance.